The following is an entry in ClinVar:

ClinVar aggregate classification (germline): Likely benign (1 of 4 stars; one submission).

Conditions:
SPTBN2-related disorder. Also called: SPTBN2-related condition.

gnomAD v4.1: 43 of 1,538,320 alleles (0.0028%); highest among the groups gnomAD compares: Admixed American, 0.0059%; no homozygotes.

Submission:

PreventionGenetics, part of Exact Sciences
Classification: Likely benign for SPTBN2-related condition. Last evaluated: 2025-11-10. Review status: criteria provided, single submitter. Criteria: ACMG Guidelines, 2015. Collection method: clinical testing. Allele origin: germline.
Comment: This variant is classified as likely benign based on ACMG/AMP sequence variant interpretation guidelines (Richards et al. 2015 PMID: 25741868, with internal and published modifications).

NM_006946.4(SPTBN2):c.2073C>T (p.Ser691=)

Gene: SPTBN2 (spectrin beta, non-erythrocytic 2; minus strand). Cytogenetic location: 11q13.2.
Variant type: single nucleotide variant.
Coding change: c.2073C>T on transcript NM_006946.4 (MANE Select); coding-DNA position 2073, C replaced by T.
Protein change: p.Ser691=; no amino-acid change (serine 691 retained).
Molecular consequence: synonymous variant.
Genome position (GRCh38, 1-based): chr11:66,705,203, G>A on the plus strand (C>T on the coding strand, the complement: SPTBN2 is on the minus strand). VCF-style: chr11-66705203-G-A. GRCh37 (hg19) VCF-style: chr11-66472674-G-A.
Other names: c.2094C>T, p.Ser698= (NM_001411025.1); c.2073C>T, p.Ser691= (NM_001437541.1).
Identifiers: ClinVar variation 4979322 (VCV004979322.1).